The following is an entry in ClinVar:

NM_001378452.1(ITPR1):c.7867+6T>C

Genes: ITPR1 (inositol 1,4,5-trisphosphate receptor type 1; plus strand), LOC126806590 (MED14-independent group 3 enhancer GRCh37_chr3:4855759-4856958; plus strand). Cytogenetic location: 3p26.1.
Variant type: single nucleotide variant.
Coding change: c.7867+6T>C on transcript NM_001378452.1 (MANE Select); 6 bases into the intron after coding-DNA position 7867, T replaced by C.
Molecular consequence: intron variant.
Genome position (GRCh38, 1-based): chr3:4,815,224, T>C. VCF-style: chr3-4815224-T-C. GRCh37 (hg19) VCF-style: chr3-4856908-T-C.
Other names: c.7723+6T>C (NM_001099952.4); c.7822+6T>C (NM_001168272.2); c.7678+6T>C (NM_002222.7).
Identifiers: ClinVar variation 5019243 (VCV005019243.2).
Genomic context (GRCh38, chr3:4,815,224, plus strand): 5'-AGGAGTGAGAAGCAGAAGAAGGAAGAGATCTTGAAGACCACGTGCTTTATCTGTGGTGAG[T>C]GTCGCTGGCCAGCTCCAGCAAGGGCGTGAAGGCCCAGCGTGGCAGAGGCATGTGGATACT-3'

ClinVar aggregate classification (germline): Uncertain significance (1 of 4 stars; one submission).

Conditions:
Spinocerebellar ataxia type 15/16 (SCA15). Also called: Spinocerebellar Ataxia Type 15. Identifiers: Orphanet 98769, MedGen C1847725, MONDO:0011694, OMIM 606658.
Spinocerebellar ataxia type 29 (SCA29). Also called: Spinocerebellar ataxia 29, congenital nonprogressive; CEREBELLAR ATAXIA, CONGENITAL NONPROGRESSIVE, AUTOSOMAL DOMINANT. Identifiers: Orphanet 208513, MedGen C1861732, MONDO:0007298, OMIM 117360.
Gillespie syndrome (GLSP). Also called: Aniridia, cerebellar ataxia, and mental deficiency; Aniridia-cerebellar ataxia-intellectual disability syndrome. Identifiers: Orphanet 1065, MedGen C0431401, MONDO:0008795, OMIM 206700.

Submission:

Juno Genomics, Hangzhou Juno Genomics, Inc
Classification: Uncertain significance for Spinocerebellar ataxia type 29; Gillespie syndrome; Spinocerebellar ataxia type 15/16. Review status: criteria provided, single submitter. Criteria: ACMG Guidelines, 2015. Collection method: clinical testing. Allele origin: germline.
Comment: Absent from controls (or at extremely low frequency if recessive) in Genome Aggregation Database.;Multiple lines of computational evidence support a deleterious effect on the gene or gene product.